The following is an entry in ClinVar:

ClinVar aggregate classification (germline): Uncertain significance (1 of 4 stars; one submission).

Conditions:
Warts, hypogammaglobulinemia, infections, and myelokathexis. Also called: WHIM syndrome. Identifiers: MedGen C0472817, MONDO:0023880.

Allele frequency attached by ClinVar (database versions not stated): TOPMed below 0.00001.

Submission:

Labcorp Genetics (formerly Invitae), Labcorp
Classification: Uncertain significance for Warts, hypogammaglobulinemia, infections, and myelokathexis. Last evaluated: 2025-03-18. Review status: criteria provided, single submitter. Criteria: Invitae Variant Classification Sherloc (09022015). Collection method: clinical testing. Allele origin: germline.
Comment: This sequence change replaces methionine, which is neutral and non-polar, with valine, which is neutral and non-polar, at codon 24 of the CXCR4 protein (p.Met24Val). This variant is not present in population databases (gnomAD no frequency). This variant has not been reported in the literature in individuals affected with CXCR4-related conditions. ClinVar contains an entry for this variant (Variation ID: 2711994). An algorithm developed to predict the effect of missense changes on protein structure and function (PolyPhen-2) suggests that this variant is likely to be tolerated. In summary, the available evidence is currently insufficient to determine the role of this variant in disease. Therefore, it has been classified as a Variant of Uncertain Significance.

NM_003467.3(CXCR4):c.70A>G (p.Met24Val)

Gene: CXCR4 (C-X-C motif chemokine receptor 4; minus strand). Cytogenetic location: 2q22.1.
Variant type: single nucleotide variant.
Coding change: c.70A>G on transcript NM_003467.3 (MANE Select); coding-DNA position 70, A replaced by G.
Protein change: p.Met24Val; replaces methionine 24 with valine.
Molecular consequence: missense variant.
Genome position (GRCh38, 1-based): chr2:136,115,858, T>C on the plus strand (A>G on the coding strand, the complement: CXCR4 is on the minus strand). VCF-style: chr2-136115858-T-C. GRCh37 (hg19) VCF-style: chr2-136873428-T-C.
Other names: c.82A>G, p.Met28Val (NM_001008540.2); c.283A>G, p.Met95Val (NM_001348056.2); c.169A>G, p.Met57Val (NM_001348059.2); c.25A>G, p.Met9Val (NM_001348060.2); short protein forms M24V, M28V, M57V, M9V, M95V.
Identifiers: ClinVar variation 2711994 (VCV002711994.3), dbSNP rs1684873120, ClinGen allele CA348660205.